The following is an entry in ClinVar:

ClinVar aggregate classification (germline): Uncertain significance (1 of 4 stars; one submission).

Conditions:
Familial focal epilepsy with variable foci (FPEVF). Identifiers: Orphanet 98820, MedGen C1858477, MONDO:0020310.

Submission:

Labcorp Genetics (formerly Invitae), Labcorp
Classification: Uncertain significance for Familial focal epilepsy with variable foci. Last evaluated: 2022-08-16. Review status: criteria provided, single submitter. Criteria: Invitae Variant Classification Sherloc (09022015). Collection method: clinical testing. Allele origin: germline.
Comment: In summary, the available evidence is currently insufficient to determine the role of this variant in disease. Therefore, it has been classified as a Variant of Uncertain Significance. Variants that disrupt the consensus splice site are a relatively common cause of aberrant splicing (PMID: 17576681, 9536098). Algorithms developed to predict the effect of sequence changes on RNA splicing suggest that this variant is not likely to affect RNA splicing. This variant has not been reported in the literature in individuals affected with DEPDC5-related conditions. This variant is not present in population databases (gnomAD no frequency). This sequence change falls in intron 20 of the DEPDC5 gene. It does not directly change the encoded amino acid sequence of the DEPDC5 protein. It affects a nucleotide within the consensus splice site.

Literature cited by the submitters: PubMed 17576681; PubMed 9536098.

NM_001242896.3(DEPDC5):c.1446-3C>T

Gene: DEPDC5 (DEP domain containing 5, GATOR1 subcomplex subunit; plus strand). Cytogenetic location: 22q12.3.
Variant type: single nucleotide variant.
Coding change: c.1446-3C>T on transcript NM_001242896.3 (MANE Select); 3 bases into the intron before coding-DNA position 1446, C replaced by T.
Molecular consequence: intron variant.
Genome position (GRCh38, 1-based): chr22:31,814,989, C>T. VCF-style: chr22-31814989-C-T. GRCh37 (hg19) VCF-style: chr22-32210975-C-T.
Other names: c.1446-3C>T (NM_001364318.2, NM_001136029.4, NM_014662.6 and 7 more transcripts); c.1362-3C>T (NM_001369902.1, NM_001369901.1).
Identifiers: ClinVar variation 2120799 (VCV002120799.4), dbSNP rs1163757065, ClinGen allele CA752446652.